The following is an entry in ClinVar:

NM_022552.5(DNMT3A):c.1430-9C>T

Gene: DNMT3A (DNA methyltransferase 3 alpha; minus strand). Cytogenetic location: 2p23.3.
Variant type: single nucleotide variant.
Coding change: c.1430-9C>T on transcript NM_022552.5 (MANE Select); 9 bases into the intron before coding-DNA position 1430, C replaced by T.
Molecular consequence: intron variant.
Genome position (GRCh38, 1-based): chr2:25,246,073, G>A on the plus strand (C>T on the coding strand, the complement: DNMT3A is on the minus strand). VCF-style: chr2-25246073-G-A. GRCh37 (hg19) VCF-style: chr2-25468942-G-A.
Other names: c.1430-9C>T (NM_175629.2); c.863-9C>T (NM_153759.3); c.974-9C>T (NM_001320893.1); c.761-9C>T (NM_001375819.1).
Identifiers: ClinVar variation 5002461 (VCV005002461.1).

ClinVar aggregate classification (germline): Likely benign (1 of 4 stars; one submission).

Conditions:
DNMT3A-related disorder. Also called: DNMT3A-related disorders; DNMT3A-related condition.

Submission:

PreventionGenetics, part of Exact Sciences
Classification: Likely benign for DNMT3A-related condition. Last evaluated: 2025-05-12. Review status: criteria provided, single submitter. Criteria: ACMG Guidelines, 2015. Collection method: clinical testing. Allele origin: germline.
Comment: This variant is classified as likely benign based on ACMG/AMP sequence variant interpretation guidelines (Richards et al. 2015 PMID: 25741868, with internal and published modifications).